The following is an entry in ClinVar:

NM_001042492.3(NF1):c.5419G>A (p.Gly1807Ser)

Gene: NF1 (neurofibromin 1; plus strand). Cytogenetic location: 17q11.2.
Variant type: single nucleotide variant.
Coding change: c.5419G>A on transcript NM_001042492.3 (MANE Select); coding-DNA position 5419, G replaced by A.
Protein change: p.Gly1807Ser; replaces glycine 1807 with serine.
Molecular consequence: missense variant.
Genome position (GRCh38, 1-based): chr17:31,327,649, G>A. VCF-style: chr17-31327649-G-A. GRCh37 (hg19) VCF-style: chr17-29654667-G-A.
Other names: c.5356G>A, p.Gly1786Ser (NM_000267.4); short protein forms G1786S, G1807S.
Identifiers: ClinVar variation 1009308 (VCV001009308.6), dbSNP rs1443729188, ClinGen allele CA399009399.

ClinVar aggregate classification (germline): Uncertain significance. Review status: criteria provided, multiple submitters, no conflicts (2 of 4 stars). 2 submissions from 2 submitters: Uncertain significance (2). Last evaluated 2025-11-24.

Conditions:
Hereditary cancer-predisposing syndrome. Also called: Tumor predisposition; Hereditary Cancer Syndrome; Neoplastic Syndromes, Hereditary; Hereditary neoplastic syndrome. Identifiers: Orphanet 140162, MedGen C0027672, MeSH D009386, MONDO:0015356.
Cardiovascular phenotype. Identifiers: MedGen CN230736.
Neurofibromatosis, type 1 (NF1). Also called: VON RECKLINGHAUSEN DISEASE; Neurofibromatosis, type I; NEUROFIBROMATOSIS, TYPE I, SOMATIC; Peripheral type neurofibromatosis. Identifiers: Orphanet 636, MedGen C0027831, MONDO:0018975, OMIM 162200. Disease mechanism: loss of function.

Allele frequency attached by ClinVar (database versions not stated): gnomAD exomes below 0.00001; TOPMed below 0.00001.
gnomAD v4.1: 1 of 1,613,994 alleles (0.000062%); no homozygotes.

Submissions (2):

Ambry Genetics
Classification: Uncertain significance for Cardiovascular phenotype; Hereditary cancer-predisposing syndrome. Last evaluated: 2025-11-24. Review status: criteria provided, single submitter. Criteria: Ambry Variant Classification Scheme 2023. Collection method: clinical testing. Allele origin: germline.
Comment: The p.G1786S variant (also known as c.5356G>A), located in coding exon 37 of the NF1 gene, results from a G to A substitution at nucleotide position 5356. The glycine at codon 1786 is replaced by serine, an amino acid with similar properties. This amino acid position is highly conserved in available vertebrate species. In addition, the in silico prediction for this alteration is inconclusive. Based on the available evidence, the clinical significance of this variant remains unclear.

Labcorp Genetics (formerly Invitae), Labcorp
Classification: Uncertain significance for Neurofibromatosis, type 1. Last evaluated: 2020-10-04. Review status: criteria provided, single submitter. Criteria: Invitae Variant Classification Sherloc (09022015). Collection method: clinical testing. Allele origin: germline.
Comment: In summary, the available evidence is currently insufficient to determine the role of this variant in disease. Therefore, it has been classified as a Variant of Uncertain Significance. Algorithms developed to predict the effect of missense changes on protein structure and function are either unavailable or do not agree on the potential impact of this missense change (SIFT: "Deleterious"; PolyPhen-2: "Probably Damaging"; Align-GVGD: "Class C0"). This variant has not been reported in the literature in individuals with NF1-related conditions. This variant is not present in population databases (ExAC no frequency). This sequence change replaces glycine with serine at codon 1786 of the NF1 protein (p.Gly1786Ser). The glycine residue is moderately conserved and there is a small physicochemical difference between glycine and serine.